The following is an entry in ClinVar:

NM_000051.4(ATM):c.2500G>T (p.Glu834Ter)

Gene: ATM (ATM serine/threonine kinase; plus strand). Cytogenetic location: 11q22.3.
Variant type: single nucleotide variant.
Coding change: c.2500G>T on transcript NM_000051.4 (MANE Select); coding-DNA position 2500, G replaced by T.
Protein change: p.Glu834Ter; replaces glutamic acid 834 with a stop codon.
Molecular consequence: nonsense.
Genome position (GRCh38, 1-based): chr11:108,267,204, G>T. VCF-style: chr11-108267204-G-T. GRCh37 (hg19) VCF-style: chr11-108137931-G-T.
Other names: c.2500G>T, p.Glu834Ter (NM_001351834.2); short protein forms E834*.
Identifiers: ClinVar variation 233475 (VCV000233475.11), dbSNP rs876660430, ClinGen allele CA10579057.

ClinVar aggregate classification (germline): Pathogenic/Likely pathogenic. Review status: criteria provided, multiple submitters, no conflicts (2 of 4 stars). 4 submissions from 4 submitters: Pathogenic (3); Likely pathogenic (1). Last evaluated 2024-01-18.

Conditions:
Hereditary cancer-predisposing syndrome. Also called: Tumor predisposition; Hereditary Cancer Syndrome; Hereditary neoplastic syndrome; Neoplastic Syndromes, Hereditary. Identifiers: Orphanet 140162, MedGen C0027672, MeSH D009386, MONDO:0015356.
Ataxia-telangiectasia syndrome (AT). Also called: Ataxia telangiectasia (A-T); LOUIS-BAR SYNDROME; Cerebello-oculocutaneous telangiectasia; Immunodeficiency with ataxia telangiectasia; ATAXIA-TELANGIECTASIA, COMPLEMENTATION GROUP A; ATAXIA-TELANGIECTASIA, FRESNO VARIANT. Identifiers: Orphanet 100, MedGen C0004135, MONDO:0008840, OMIM 208900.
Familial cancer of breast. Also called: hereditary breast carcinoma; BREAST CANCER, FAMILIAL; Hereditary breast cancer. Identifiers: Orphanet 227535, MedGen C0346153, MONDO:0016419, OMIM 114480. Disease mechanism: loss of function.

Submissions (4):

Myriad Genetics, Inc.
Classification: Pathogenic for Familial cancer of breast. Last evaluated: 2024-01-18. Review status: criteria provided, single submitter. Criteria: Myriad Autosomal Dominant, Autosomal Recessive and X-Linked Classification Criteria (2023). Collection method: clinical testing. Allele origin: unknown.
Comment: This variant is considered pathogenic. This variant creates a termination codon and is predicted to result in premature protein truncation.

Ambry Genetics
Classification: Pathogenic for Hereditary cancer-predisposing syndrome. Last evaluated: 2023-03-30. Review status: criteria provided, single submitter. Criteria: Ambry Variant Classification Scheme 2023. Collection method: clinical testing. Allele origin: germline.
Comment: The p.E834* pathogenic mutation (also known as c.2500G>T), located in coding exon 16 of the ATM gene, results from a G to T substitution at nucleotide position 2500. This changes the amino acid from a glutamic acid to a stop codon within coding exon 16. This alteration is expected to result in loss of function by premature protein truncation or nonsense-mediated mRNA decay. As such, this alteration is interpreted as a disease-causing mutation.

Labcorp Genetics (formerly Invitae), Labcorp
Classification: Pathogenic for Ataxia-telangiectasia syndrome. Last evaluated: 2023-02-21. Review status: criteria provided, single submitter. Criteria: Invitae Variant Classification Sherloc (09022015). Collection method: clinical testing. Allele origin: germline.
Comment: This variant has not been reported in the literature in individuals affected with ATM-related conditions. For these reasons, this variant has been classified as Pathogenic. ClinVar contains an entry for this variant (Variation ID: 233475). This variant is not present in population databases (gnomAD no frequency). This sequence change creates a premature translational stop signal (p.Glu834*) in the ATM gene. It is expected to result in an absent or disrupted protein product. Loss-of-function variants in ATM are known to be pathogenic (PMID: 23807571, 25614872).

Baylor Genetics
Classification: Likely pathogenic for Familial cancer of breast. Last evaluated: 2023-01-24. Review status: criteria provided, single submitter. Criteria: ACMG Guidelines, 2015. Collection method: clinical testing. Allele origin: unknown.

Literature cited by the submitters: PubMed 23807571 (cited by Labcorp Genetics (formerly Invitae), Labcorp); PubMed 25614872 (cited by Labcorp Genetics (formerly Invitae), Labcorp).